The following is an entry in ClinVar:

ClinVar aggregate classification (germline): Benign (1 of 4 stars; one submission).

Allele frequency attached by ClinVar (database versions not stated): gnomAD 0.04853 and 0.05187; 1000 Genomes Project 0.05212; 1000 Genomes Project 30x 0.05325; TOPMed 0.05417.
gnomAD v4.1: 7,307 of 152,296 alleles (4.8%); highest among the groups gnomAD compares: African/African-American, 16%; 537 homozygotes.

Submission:

GeneDx
Classification: Benign. Last evaluated: 2018-06-14. Review status: criteria provided, single submitter. Criteria: GeneDx Variant Classification (06012015). Collection method: clinical testing. Allele origin: germline. Affected: yes.
Comment: This variant is considered likely benign or benign based on one or more of the following criteria: it is a conservative change, it occurs at a poorly conserved position in the protein, it is predicted to be benign by multiple in silico algorithms, and/or has population frequency not consistent with disease.

NM_016065.4(MRPS16):c.275-297T>C

Genes: DNAJC9-AS1 (DNAJC9 and MRPS16 antisense RNA 1; plus strand), MRPS16 (mitochondrial ribosomal protein S16; minus strand). Cytogenetic location: 10q22.2.
Variant type: single nucleotide variant.
Coding change: c.275-297T>C on transcript NM_016065.4 (MANE Select); 297 bases into the intron before coding-DNA position 275, T replaced by C.
Molecular consequence: intron variant.
Genome position (GRCh38, 1-based): chr10:73,251,288, A>G on the plus strand (T>C on the coding strand, the complement: MRPS16 is on the minus strand). VCF-style: chr10-73251288-A-G. GRCh37 (hg19) VCF-style: chr10-75011046-A-G.
Identifiers: ClinVar variation 673190 (VCV000673190.1), dbSNP rs77239349, ClinGen allele CA209593127.